The following is an entry in ClinVar:

NM_016006.6(ABHD5):c.591G>A (p.Trp197Ter)

Gene: ABHD5 (abhydrolase domain containing 5, lysophosphatidic acid acyltransferase; plus strand). Cytogenetic location: 3p21.33.
Variant type: single nucleotide variant.
Coding change: c.591G>A on transcript NM_016006.6 (MANE Select); coding-DNA position 591, G replaced by A.
Protein change: p.Trp197Ter; replaces tryptophan 197 with a stop codon.
Molecular consequence: nonsense. On other transcripts: non-coding transcript variant (1).
Genome position (GRCh38, 1-based): chr3:43,711,793, G>A. VCF-style: chr3-43711793-G-A. GRCh37 (hg19) VCF-style: chr3-43753285-G-A.
Other names: c.591G>A, p.Trp197Ter (NM_001355186.2, NM_001365650.1); c.468G>A, p.Trp156Ter (NM_001365649.1); short protein forms W197*, W156*.
Identifiers: ClinVar variation 620267 (VCV000620267.1), dbSNP rs767648866, ClinGen allele CA2341382.

ClinVar aggregate classification (germline): Likely pathogenic (1 of 4 stars; one submission).

Allele frequency attached by ClinVar (database versions not stated): gnomAD exomes below 0.00001; TOPMed below 0.00001; ExAC 0.00001.
gnomAD v4.1: 6 of 1,614,200 alleles (0.00037%); highest among the groups gnomAD compares: Non-Finnish European, 0.00051%; no homozygotes.

Submission:

GeneDx
Classification: Likely pathogenic. Last evaluated: 2018-07-10. Review status: criteria provided, single submitter. Criteria: GeneDx Variant Classification (06012015). Collection method: clinical testing. Allele origin: germline. Affected: yes.
Comment: The W197X variant in the ABHD5 gene has not been reported previously as a pathogenic variant, nor as a benign variant, to our knowledge. This variant is predicted to cause loss of normal protein function either through protein truncation or nonsense-mediated mRNA decay. The W197X variant is not observed in large population cohorts (Lek et al., 2016). We interpret W197X as a likely pathogenic variant.